The following is an entry in ClinVar:

ClinVar aggregate classification (germline): Uncertain significance. Review status: criteria provided, multiple submitters, no conflicts (2 of 4 stars). 2 submissions from 2 submitters: Uncertain significance (2). Last evaluated 2024-02-28.

Allele frequency attached by ClinVar (database versions not stated): gnomAD exomes 0.00001 and 0.00002; gnomAD 0.00002; TOPMed 0.00002; ExAC 0.00003.
gnomAD v4.1: 23 of 1,603,938 alleles (0.0014%); highest among the groups gnomAD compares: South Asian, 0.0056%; no homozygotes.

Submissions (2):

Blueprint Genetics
Classification: Uncertain significance. Last evaluated: 2024-02-28. Review status: criteria provided, single submitter. Criteria: ACMG Guidelines, 2015. Collection method: clinical testing. Allele origin: germline.

Labcorp Genetics (formerly Invitae), Labcorp
Classification: Uncertain significance. Last evaluated: 2022-10-25. Review status: criteria provided, single submitter. Criteria: Invitae Variant Classification Sherloc (09022015). Collection method: clinical testing. Allele origin: germline.
Comment: In summary, the available evidence is currently insufficient to determine the role of this variant in disease. Therefore, it has been classified as a Variant of Uncertain Significance. Algorithms developed to predict the effect of missense changes on protein structure and function are either unavailable or do not agree on the potential impact of this missense change (SIFT: "Deleterious"; PolyPhen-2: "Probably Damaging"; Align-GVGD: "Class C0"). ClinVar contains an entry for this variant (Variation ID: 1440727). This variant has not been reported in the literature in individuals affected with CFAP410-related conditions. The frequency data for this variant in the population databases is considered unreliable, as metrics indicate poor data quality at this position in the gnomAD database. This sequence change replaces valine, which is neutral and non-polar, with methionine, which is neutral and non-polar, at codon 235 of the CFAP410 protein (p.Val235Met).

NM_004928.3(CFAP410):c.703G>A (p.Val235Met)

Gene: CFAP410 (cilia and flagella associated protein 410; minus strand). Cytogenetic location: 21q22.3.
Variant type: single nucleotide variant.
Coding change: c.703G>A on transcript NM_004928.3 (MANE Select); coding-DNA position 703, G replaced by A.
Protein change: p.Val235Met; replaces valine 235 with methionine.
Molecular consequence: missense variant.
Genome position (GRCh38, 1-based): chr21:44,330,266, C>T on the plus strand (G>A on the coding strand, the complement: CFAP410 is on the minus strand). VCF-style: chr21-44330266-C-T. GRCh37 (hg19) VCF-style: chr21-45750149-C-T.
Other names: c.700G>A, p.Val234Met (NM_001271440.2); c.1060G>A, p.Val354Met (NM_001271441.2); c.577G>A, p.Val193Met (NM_001271442.1); short protein forms V193M, V234M, V354M, V235M.
Identifiers: ClinVar variation 1440727 (VCV001440727.7), dbSNP rs770527377, ClinGen allele CA10053481.